The following is an entry in ClinVar:

ClinVar aggregate classification (germline): Uncertain significance (1 of 4 stars; one submission).

gnomAD v4.1: 1 of 1,614,110 alleles (0.000062%); highest among the groups gnomAD compares: East Asian, 0.0022%; no homozygotes.

Submission:

CeGaT Center for Human Genetics Tuebingen
Classification: Uncertain significance. Last evaluated: 2025-09-01. Review status: criteria provided, single submitter. Criteria: CeGaT Center For Human Genetics Tuebingen Variant Classification Criteria Version 2. Collection method: clinical testing. Allele origin: germline. Affected: yes. Observed: 1 variant allele.
Comment: PLCB1: PM2

NM_015192.4(PLCB1):c.2876A>G (p.Tyr959Cys)

Gene: PLCB1 (phospholipase C beta 1; plus strand). Cytogenetic location: 20p12.3.
Variant type: single nucleotide variant.
Coding change: c.2876A>G on transcript NM_015192.4 (MANE Select); coding-DNA position 2876, A replaced by G.
Protein change: p.Tyr959Cys; replaces tyrosine 959 with cysteine.
Molecular consequence: missense variant.
Genome position (GRCh38, 1-based): chr20:8,765,304, A>G. VCF-style: chr20-8765304-A-G. GRCh37 (hg19) VCF-style: chr20-8745951-A-G.
Other names: c.2876A>G, p.Tyr959Cys (NM_182734.3); short protein forms Y959C.
Identifiers: ClinVar variation 4281043 (VCV004281043.7).